The following is an entry in ClinVar:

NM_001987.5(ETV6):c.1153-1G>A

Gene: ETV6 (ETS variant transcription factor 6; plus strand). Cytogenetic location: 12p13.2.
Variant type: single nucleotide variant.
Coding change: c.1153-1G>A on transcript NM_001987.5 (MANE Select); the canonical splice acceptor site of the intron before coding-DNA position 1153, G replaced by A.
Molecular consequence: splice acceptor variant. On other transcripts: intron variant (1).
Genome position (GRCh38, 1-based): chr12:11,885,925, G>A. VCF-style: chr12-11885925-G-A. GRCh37 (hg19) VCF-style: chr12-12038859-G-A.
Other names: c.1126-1G>A (NM_001413914.1); c.1010-5016G>A (NM_001413917.1); c.1150-1G>A (NM_001413913.1); c.889-1G>A (NM_001413915.1).
Identifiers: ClinVar variation 4251444 (VCV004251444.1).

ClinVar aggregate classification (germline): Likely pathogenic (1 of 4 stars; one submission).

Conditions:
Inborn genetic diseases. Identifiers: MedGen C0950123, MeSH D030342.

Submission:

Ambry Genetics
Classification: Likely pathogenic for Inborn genetic diseases. Last evaluated: 2025-07-14. Review status: criteria provided, single submitter. Criteria: Ambry Variant Classification Scheme 2023. Collection method: clinical testing. Allele origin: germline.
Comment: The c.1153-1G>A intronic variant results from a G to A substitution one nucleotide upstream from coding exon 7 of the ETV6 gene. This nucleotide position is highly conserved in available vertebrate species. In silico splice site analysis predicts that this alteration will weaken the native splice acceptor site and will result in the creation or strengthening of a novel splice acceptor site; however, direct evidence is insufficient at this time (Ambry internal data). This variant is considered to be rare based on population cohorts in the Genome Aggregation Database (gnomAD). Alterations that disrupt the canonical splice site are expected to cause aberrant splicing, resulting in an abnormal protein or a transcript that is subject to nonsense-mediated mRNA decay. As such, this alteration is classified as likely pathogenic.